The following is an entry in ClinVar:

ClinVar aggregate classification (germline): Uncertain significance (1 of 4 stars; one submission).

Submission:

GeneDx
Classification: Uncertain significance. Last evaluated: 2026-03-09. Review status: criteria provided, single submitter. Criteria: GeneDx Variant Classification Process June 2021. Collection method: clinical testing. Allele origin: germline.
Comment: Not observed at significant frequency in large population cohorts (gnomAD); In silico analysis supports that this missense variant has a deleterious effect on protein structure/function; Has not been previously published as pathogenic or benign to our knowledge

NM_001009944.3(PKD1):c.4199T>C (p.Leu1400Pro)

Gene: PKD1 (polycystin 1, transient receptor potential channel interacting; minus strand). Cytogenetic location: 16p13.3.
Variant type: single nucleotide variant.
Coding change: c.4199T>C on transcript NM_001009944.3 (MANE Select); coding-DNA position 4199, T replaced by C.
Protein change: p.Leu1400Pro; replaces leucine 1400 with proline.
Molecular consequence: missense variant.
Genome position (GRCh38, 1-based): chr16:2,110,968, A>G on the plus strand (T>C on the coding strand, the complement: PKD1 is on the minus strand). VCF-style: chr16-2110968-A-G. GRCh37 (hg19) VCF-style: chr16-2160969-A-G.
Other names: c.4199T>C, p.Leu1400Pro (NM_000296.4); short protein forms L1400P.
Identifiers: ClinVar variation 5008384 (VCV005008384.1).